The following is an entry in ClinVar:

NM_058216.3(RAD51C):c.60T>C (p.Ser20=)

Gene: RAD51C (RAD51 paralog C; plus strand). Cytogenetic location: 17q22.
Variant type: single nucleotide variant.
Coding change: c.60T>C on transcript NM_058216.3 (MANE Select); coding-DNA position 60, T replaced by C.
Protein change: p.Ser20=; no amino-acid change (serine 20 retained).
Molecular consequence: synonymous variant. On other transcripts: non-coding transcript variant (1).
Genome position (GRCh38, 1-based): chr17:58,692,703, T>C. VCF-style: chr17-58692703-T-C. GRCh37 (hg19) VCF-style: chr17-56770064-T-C.
Other names: c.60T>C, p.Ser20= (NM_002876.4).
Identifiers: ClinVar variation 3903594 (VCV003903594.1).

ClinVar aggregate classification (germline): Benign (1 of 4 stars; one submission).

Conditions:
Breast-ovarian cancer, familial, susceptibility to, 3. Also called: RAD51C-Related Breast/Ovarian Cancer. Identifiers: Orphanet 145, MedGen C3150659, MONDO:0013253, OMIM 613399.

gnomAD v4.1: 1 of 1,614,222 alleles (0.000062%); highest among the groups gnomAD compares: Non-Finnish European, 0.000085%; no homozygotes.

Submission:

Myriad Genetics, Inc.
Classification: Benign for Breast-ovarian cancer, familial, susceptibility to, 3. Last evaluated: 2025-02-14. Review status: criteria provided, single submitter. Criteria: Myriad Autosomal Dominant, Autosomal Recessive and X-Linked Classification Criteria (2023). Collection method: clinical testing. Allele origin: unknown.
Comment: This variant is considered benign. This variant is a silent/synonymous amino acid change and it is not expected to impact splicing.